The following is an entry in ClinVar:

NM_000075.4(CDK4):c.309T>C (p.Tyr103=)

Gene: CDK4 (cyclin dependent kinase 4; minus strand). Cytogenetic location: 12q14.1.
Variant type: single nucleotide variant.
Coding change: c.309T>C on transcript NM_000075.4 (MANE Select); coding-DNA position 309, T replaced by C.
Protein change: p.Tyr103=; no amino-acid change (tyrosine 103 retained).
Molecular consequence: synonymous variant.
Genome position (GRCh38, 1-based): chr12:57,751,252, A>G on the plus strand (T>C on the coding strand, the complement: CDK4 is on the minus strand). VCF-style: chr12-57751252-A-G. GRCh37 (hg19) VCF-style: chr12-58145035-A-G.
Other names: c.309T>C (LRG_490t1).
Identifiers: ClinVar variation 381622 (VCV000381622.38), dbSNP rs554603181, ClinGen allele CA6657846.

ClinVar aggregate classification (germline): Benign/Likely benign. Review status: criteria provided, multiple submitters, no conflicts (2 of 4 stars). 5 submissions from 5 submitters: Benign (1); Likely benign (4). Last evaluated 2025-11-22.

Conditions:
Melanoma, cutaneous malignant, susceptibility to, 3. Also called: Cutaneous malignant melanoma 3. Identifiers: Orphanet 618, MedGen C1836892, MONDO:0012183, OMIM 609048.
Familial melanoma. Also called: Hereditary melanoma; Hereditary cutaneous melanoma. Identifiers: Orphanet 618, MedGen C1512419, MONDO:0018961.
Hereditary cancer-predisposing syndrome. Also called: Neoplastic Syndromes, Hereditary; Hereditary neoplastic syndrome; Tumor predisposition; Hereditary Cancer Syndrome. Identifiers: Orphanet 140162, MedGen C0027672, MeSH D009386, MONDO:0015356.

Allele frequency attached by ClinVar (database versions not stated): gnomAD exomes below 0.00001 and 0.00001; ExAC 0.00001; gnomAD 0.00001; 1000 Genomes Project 30x 0.00016; 1000 Genomes Project 0.00020.
gnomAD v4.1: 3 of 1,614,032 alleles (0.00019%); highest among the groups gnomAD compares: East Asian, 0.0045%; no homozygotes.

Submissions (5):

Labcorp Genetics (formerly Invitae), Labcorp
Classification: Likely benign for Familial melanoma. Last evaluated: 2025-11-22. Review status: criteria provided, single submitter. Criteria: Invitae Variant Classification Sherloc (09022015). Collection method: clinical testing. Allele origin: germline.

Myriad Genetics, Inc.
Classification: Benign for Melanoma, cutaneous malignant, susceptibility to, 3. Last evaluated: 2024-09-25. Review status: criteria provided, single submitter. Criteria: Myriad Autosomal Dominant, Autosomal Recessive and X-Linked Classification Criteria (2023). Collection method: clinical testing. Allele origin: unknown.
Comment: This variant is considered benign. This variant is a silent/synonymous amino acid change and it is not expected to impact splicing.

CeGaT Center for Human Genetics Tuebingen
Classification: Likely benign. Last evaluated: 2024-03-01. Review status: criteria provided, single submitter. Criteria: CeGaT Center For Human Genetics Tuebingen Variant Classification Criteria Version 2. Collection method: clinical testing. Allele origin: germline. Affected: yes. Observed: 1 variant allele.
Comment: CDK4: BP4, BP7

Ambry Genetics
Classification: Likely benign for Hereditary cancer-predisposing syndrome. Last evaluated: 2019-11-27. Review status: criteria provided, single submitter. Criteria: Ambry Variant Classification Scheme 2023. Collection method: clinical testing. Allele origin: germline.

GeneDx
Classification: Likely benign. Last evaluated: 2015-11-17. Review status: criteria provided, single submitter. Criteria: GeneDx Variant Classification (06012015). Collection method: clinical testing. Allele origin: germline. Affected: yes.
Comment: This variant is considered likely benign or benign based on one or more of the following criteria: it is a conservative change, it occurs at a poorly conserved position in the protein, it is predicted to be benign by multiple in silico algorithms, and/or has population frequency not consistent with disease.